The following is an entry in ClinVar:

NM_016219.5(MAN1B1):c.1566+33C>T

Gene: MAN1B1 (mannosidase alpha class 1B member 1; plus strand). Cytogenetic location: 9q34.3.
Variant type: single nucleotide variant.
Coding change: c.1566+33C>T on transcript NM_016219.5 (MANE Select); 33 bases into the intron after coding-DNA position 1566, C replaced by T.
Molecular consequence: intron variant.
Genome position (GRCh38, 1-based): chr9:137,106,842, C>T. VCF-style: chr9-137106842-C-T. GRCh37 (hg19) VCF-style: chr9-140001294-C-T.
Identifiers: ClinVar variation 1706767 (VCV001706767.2), dbSNP rs73668396, ClinGen allele CA5359288.

ClinVar aggregate classification (germline): Likely benign (1 of 4 stars; one submission).

Allele frequency attached by ClinVar (database versions not stated): gnomAD exomes 0.00125; ExAC 0.00414; gnomAD 0.01288; TOPMed 0.01441; ESP Exome Variant Server 0.01492; 1000 Genomes Project 0.01677; 1000 Genomes Project 30x 0.01702.
gnomAD v4.1: 3,866 of 1,609,676 alleles (0.24%); highest among the groups gnomAD compares: African/African-American, 4.5%; 82 homozygotes.

Submission:

GeneDx
Classification: Likely benign. Last evaluated: 2021-05-13. Review status: criteria provided, single submitter. Criteria: GeneDx Variant Classification Process June 2021. Collection method: clinical testing. Allele origin: germline. Affected: yes.
Comment: See Variant Classification Assertion Criteria.